The following is an entry in ClinVar:

NM_032043.3(BRIP1):c.1316G>A (p.Arg439Gln)

Gene: BRIP1 (BRCA1 interacting DNA helicase 1; minus strand). Cytogenetic location: 17q23.2.
Variant type: single nucleotide variant.
Coding change: c.1316G>A on transcript NM_032043.3 (MANE Select); coding-DNA position 1316, G replaced by A.
Protein change: p.Arg439Gln; replaces arginine 439 with glutamine.
Molecular consequence: missense variant.
Genome position (GRCh38, 1-based): chr17:61,799,124, C>T on the plus strand (G>A on the coding strand, the complement: BRIP1 is on the minus strand). VCF-style: chr17-61799124-C-T. GRCh37 (hg19) VCF-style: chr17-59876485-C-T.
Other names: short protein forms R439Q.
Identifiers: ClinVar variation 461069 (VCV000461069.18), dbSNP rs753214212, ClinGen allele CA8690764.

ClinVar aggregate classification (germline): Uncertain significance. Review status: criteria provided, multiple submitters, no conflicts (2 of 4 stars). 5 submissions from 5 submitters: Uncertain significance (5). Last evaluated 2025-06-18.

Conditions:
Hereditary cancer-predisposing syndrome. Also called: Hereditary neoplastic syndrome; Neoplastic Syndromes, Hereditary; Tumor predisposition; Hereditary Cancer Syndrome. Identifiers: Orphanet 140162, MedGen C0027672, MeSH D009386, MONDO:0015356.
Fanconi anemia complementation group J. Also called: BRIP1-Related Fanconi Anemia. Identifiers: Orphanet 84, MedGen C1836860, MONDO:0012187, OMIM 609054.
Familial cancer of breast. Also called: BREAST CANCER, FAMILIAL; hereditary breast carcinoma; Hereditary breast cancer. Identifiers: Orphanet 227535, MedGen C0346153, MONDO:0016419, OMIM 114480. Disease mechanism: loss of function.

Allele frequency attached by ClinVar (database versions not stated): gnomAD exomes below 0.00001 and 0.00001; ExAC 0.00001; gnomAD 0.00001; TOPMed 0.00001.
gnomAD v4.1: 3 of 1,613,202 alleles (0.00019%); highest among the groups gnomAD compares: Non-Finnish European, 0.00025%; no homozygotes.

Submissions (5):

Ambry Genetics
Classification: Uncertain significance for Hereditary cancer-predisposing syndrome. Last evaluated: 2025-06-18. Review status: criteria provided, single submitter. Criteria: Ambry Variant Classification Scheme 2023. Collection method: clinical testing. Allele origin: germline.
Comment: The p.R439Q variant (also known as c.1316G>A), located in coding exon 8 of the BRIP1 gene, results from a G to A substitution at nucleotide position 1316. The arginine at codon 439 is replaced by glutamine, an amino acid with highly similar properties. This amino acid position is well conserved in available vertebrate species. In addition, this alteration is predicted to be tolerated by in silico analysis. Based on the available evidence, the clinical significance of this variant remains unclear.

Labcorp Genetics (formerly Invitae), Labcorp
Classification: Uncertain significance for Familial cancer of breast; Fanconi anemia complementation group J. Last evaluated: 2024-11-13. Review status: criteria provided, single submitter. Criteria: Invitae Variant Classification Sherloc (09022015). Collection method: clinical testing. Allele origin: germline.
Comment: This sequence change replaces arginine, which is basic and polar, with glutamine, which is neutral and polar, at codon 439 of the BRIP1 protein (p.Arg439Gln). This variant is present in population databases (rs753214212, gnomAD 0.005%). This missense change has been observed in individual(s) with breast cancer (PMID: 34326862). ClinVar contains an entry for this variant (Variation ID: 461069). Invitae Evidence Modeling of protein sequence and biophysical properties (such as structural, functional, and spatial information, amino acid conservation, physicochemical variation, residue mobility, and thermodynamic stability) indicates that this missense variant is not expected to disrupt BRIP1 protein function with a negative predictive value of 95%. In summary, the available evidence is currently insufficient to determine the role of this variant in disease. Therefore, it has been classified as a Variant of Uncertain Significance.

Baylor Genetics
Classification: Uncertain significance for Familial cancer of breast. Last evaluated: 2024-03-05. Review status: criteria provided, single submitter. Criteria: ACMG Guidelines, 2015. Collection method: clinical testing. Allele origin: unknown.

Quest Diagnostics Nichols Institute San Juan Capistrano
Classification: Uncertain significance. Last evaluated: 2022-10-05. Review status: criteria provided, single submitter. Criteria: Quest Diagnostics criteria. Collection method: clinical testing. Allele origin: unknown.
Comment: The variant has not been reported in the published literature. The frequency of this variant in the general population, 0.000011 (3/282548 chromosomes), is uninformative in assessment of its pathogenicity. Analysis of this variant using bioinformatics tools for the prediction of the effect of amino acid changes on protein structure and function yielded predictions that this variant is benign. Based on the available information, we are unable to determine the clinical significance of this variant.

Color Diagnostics, LLC DBA Color Health
Classification: Uncertain significance for Hereditary cancer-predisposing syndrome. Last evaluated: 2019-05-08. Review status: criteria provided, single submitter. Criteria: ACMG Guidelines, 2015. Collection method: clinical testing. Allele origin: germline.

Literature cited by the submitters: PubMed 34326862 (cited by Labcorp Genetics (formerly Invitae), Labcorp).